The following is an entry in ClinVar:

ClinVar aggregate classification (germline): Uncertain significance. Review status: criteria provided, multiple submitters, no conflicts (2 of 4 stars). 2 submissions from 2 submitters: Uncertain significance (2). Last evaluated 2025-05-14.

Conditions:
Epidermolysis bullosa simplex 5B, with muscular dystrophy (EBS5B). Also called: EPIDERMOLYSIS BULLOSA SIMPLEX AND LIMB-GIRDLE MUSCULAR DYSTROPHY; Epidermolysis bullosa simplex with muscular dystrophy. Identifiers: Orphanet 257, MedGen C2931072, MONDO:0009181, OMIM 226670.
Epidermolysis bullosa simplex, Ogna type (EBS5A). Also called: Pidermolysis bullosa simplex 5A, Ogna type; EPIDERMOLYSIS BULLOSA SIMPLEX 5A, OGNA TYPE. Identifiers: Orphanet 79401, MedGen C0432317, MONDO:0007555, OMIM 131950.
Autosomal recessive limb-girdle muscular dystrophy type 2Q (LGMDR17). Also called: MUSCULAR DYSTROPHY, LIMB-GIRDLE, AUTOSOMAL RECESSIVE 17. Identifiers: Orphanet 254361, MedGen C3150989, MONDO:0013390, OMIM 613723.
Epidermolysis bullosa simplex 5C, with pyloric atresia (EBS5C). Also called: Epidermolysis bullosa simplex with pyloric atresia; PLEC1-Related Epidermolysis Bullosa with Pyloric Atresia; PLEC-Related Epidermolysis Bullosa with Pyloric Atresia. Identifiers: Orphanet 158684, MedGen C2677349, MONDO:0012807, OMIM 612138.
Epidermolysis bullosa simplex with nail dystrophy (EBS5D). Identifiers: MedGen C4225309, MONDO:0014661, OMIM 616487.

Allele frequency attached by ClinVar (database versions not stated): gnomAD exomes 0.00003; ExAC 0.00004; TOPMed 0.00009; gnomAD 0.00014 and 0.00016.
gnomAD v4.1: 53 of 1,606,916 alleles (0.0033%); highest among the groups gnomAD compares: East Asian, 0.025%; no homozygotes.

Submissions (2):

Labcorp Genetics (formerly Invitae), Labcorp
Classification: Uncertain significance for Autosomal recessive limb-girdle muscular dystrophy type 2Q; Epidermolysis bullosa simplex, Ogna type; Epidermolysis bullosa simplex with nail dystrophy; Epidermolysis bullosa simplex 5C, with pyloric atresia; Epidermolysis bullosa simplex 5B, with muscular dystrophy. Last evaluated: 2025-05-14. Review status: criteria provided, single submitter. Criteria: Invitae Variant Classification Sherloc (09022015). Collection method: clinical testing. Allele origin: germline.
Comment: This sequence change replaces threonine, which is neutral and polar, with methionine, which is neutral and non-polar, at codon 2244 of the PLEC protein (p.Thr2244Met). The frequency data for this variant in the population databases is considered unreliable, as metrics indicate poor data quality at this position in the gnomAD database. This variant has not been reported in the literature in individuals affected with PLEC-related conditions. ClinVar contains an entry for this variant (Variation ID: 502072). An algorithm developed to predict the effect of missense changes on protein structure and function (PolyPhen-2) suggests that this variant is likely to be disruptive. In summary, the available evidence is currently insufficient to determine the role of this variant in disease. Therefore, it has been classified as a Variant of Uncertain Significance.

Eurofins Ntd Llc (ga)
Classification: Uncertain significance. Last evaluated: 2017-05-24. Review status: criteria provided, single submitter. Criteria: EGL Classification Definitions 2015. Collection method: clinical testing. Allele origin: germline. Observed: 1 variant allele, 1 heterozygote.

NM_201384.3(PLEC):c.6650C>T (p.Thr2217Met)

Gene: PLEC (plectin; minus strand). Cytogenetic location: 8q24.3.
Variant type: single nucleotide variant.
Coding change: c.6650C>T on transcript NM_201384.3 (MANE Select); coding-DNA position 6650, C replaced by T.
Protein change: p.Thr2217Met; replaces threonine 2217 with methionine.
Molecular consequence: missense variant.
Genome position (GRCh38, 1-based): chr8:143,923,279, G>A on the plus strand (C>T on the coding strand, the complement: PLEC is on the minus strand). VCF-style: chr8-143923279-G-A. GRCh37 (hg19) VCF-style: chr8-144997447-G-A.
Other names: c.6731C>T, p.Thr2244Met (NM_000445.5); c.6608C>T, p.Thr2203Met (NM_201378.4); c.6584C>T, p.Thr2195Met (NM_201379.3); c.7061C>T, p.Thr2354Met (NM_201380.4); c.6554C>T, p.Thr2185Met (NM_201381.3); c.6650C>T, p.Thr2217Met (NM_201382.4); c.6662C>T, p.Thr2221Met (NM_201383.3); short protein forms T2185M, T2195M, T2203M, T2217M, T2221M, T2244M, T2354M.
Identifiers: ClinVar variation 502072 (VCV000502072.11), dbSNP rs782254334, ClinGen allele CA4925916.